The following is an entry in ClinVar:

NM_003072.5(SMARCA4):c.1298C>T (p.Ala433Val)

Gene: SMARCA4 (SWI/SNF related BAF chromatin remodeling complex subunit ATPase 4; plus strand). Cytogenetic location: 19p13.2.
Variant type: single nucleotide variant.
Coding change: c.1298C>T on transcript NM_003072.5 (MANE Select); coding-DNA position 1298, C replaced by T.
Protein change: p.Ala433Val; replaces alanine 433 with valine.
Molecular consequence: missense variant. On other transcripts: non-coding transcript variant (1).
Genome position (GRCh38, 1-based): chr19:10,991,202, C>T. VCF-style: chr19-10991202-C-T. GRCh37 (hg19) VCF-style: chr19-11101878-C-T.
Other names: c.1298C>T, p.Ala433Val (NM_001128844.3, NM_001128845.2, NM_001128846.2 and 6 more transcripts); short protein forms A433V.
Identifiers: ClinVar variation 5029832 (VCV005029832.1).

ClinVar aggregate classification (germline): Uncertain significance (1 of 4 stars; one submission).

Conditions:
Hereditary cancer-predisposing syndrome. Also called: Neoplastic Syndromes, Hereditary; Tumor predisposition; Hereditary neoplastic syndrome; Hereditary Cancer Syndrome. Identifiers: Orphanet 140162, MedGen C0027672, MeSH D009386, MONDO:0015356.

gnomAD v4.1: 2 of 1,613,914 alleles (0.00012%); highest among the groups gnomAD compares: Non-Finnish European, 0.00017%; no homozygotes.

Submission:

Ambry Genetics
Classification: Uncertain significance for Hereditary cancer-predisposing syndrome. Last evaluated: 2026-07-06. Review status: criteria provided, single submitter. Criteria: Ambry Variant Classification Scheme 2023. Collection method: clinical testing. Allele origin: germline.
Comment: The p.A433V variant (also known as c.1298C>T), located in coding exon 7 of the SMARCA4 gene, results from a C to T substitution at nucleotide position 1298. The alanine at codon 433 is replaced by valine, an amino acid with similar properties. This amino acid position is conserved. In addition, the in silico prediction for this alteration is inconclusive. Based on the available evidence, the clinical significance of this variant remains unclear.